The following is an entry in ClinVar:

ClinVar aggregate classification (germline): Uncertain significance. Review status: criteria provided, multiple submitters, no conflicts (2 of 4 stars). 2 submissions from 2 submitters: Uncertain significance (2). Last evaluated 2022-11-18.

Conditions:
Inborn genetic diseases. Identifiers: MedGen C0950123, MeSH D030342.
Chédiak-Higashi syndrome (CHS). Also called: Chediak-Higashi Syndrome. Identifiers: Orphanet 167, MedGen C0007965, MONDO:0008963, OMIM 214500.

Allele frequency attached by ClinVar (database versions not stated): gnomAD 0.00002; TOPMed 0.00002; ExAC 0.00004; ESP Exome Variant Server 0.00015.
gnomAD v4.1: 67 of 1,613,430 alleles (0.0042%); highest among the groups gnomAD compares: Non-Finnish European, 0.0053%; no homozygotes.

Submissions (2):

Ambry Genetics
Classification: Uncertain significance for Inborn genetic diseases. Last evaluated: 2022-11-18. Review status: criteria provided, single submitter. Criteria: Ambry Variant Classification Scheme 2023. Collection method: clinical testing. Allele origin: germline.

Labcorp Genetics (formerly Invitae), Labcorp
Classification: Uncertain significance for Chédiak-Higashi syndrome. Last evaluated: 2022-07-14. Review status: criteria provided, single submitter. Criteria: Invitae Variant Classification Sherloc (09022015). Collection method: clinical testing. Allele origin: germline.
Comment: This sequence change replaces threonine, which is neutral and polar, with serine, which is neutral and polar, at codon 1598 of the LYST protein (p.Thr1598Ser). This variant is present in population databases (rs377396577, gnomAD 0.007%). This variant has not been reported in the literature in individuals affected with LYST-related conditions. ClinVar contains an entry for this variant (Variation ID: 1348333). Algorithms developed to predict the effect of missense changes on protein structure and function (SIFT, PolyPhen-2, Align-GVGD) all suggest that this variant is likely to be tolerated. In summary, the available evidence is currently insufficient to determine the role of this variant in disease. Therefore, it has been classified as a Variant of Uncertain Significance.

NM_000081.4(LYST):c.4793C>G (p.Thr1598Ser)

Gene: LYST (lysosomal trafficking regulator; minus strand). Cytogenetic location: 1q42.3.
Variant type: single nucleotide variant.
Coding change: c.4793C>G on transcript NM_000081.4 (MANE Select); coding-DNA position 4793, C replaced by G.
Protein change: p.Thr1598Ser; replaces threonine 1598 with serine.
Molecular consequence: missense variant.
Genome position (GRCh38, 1-based): chr1:235,787,269, G>C on the plus strand (C>G on the coding strand, the complement: LYST is on the minus strand). VCF-style: chr1-235787269-G-C. GRCh37 (hg19) VCF-style: chr1-235950569-G-C.
Other names: c.4793C>G, p.Thr1598Ser (NM_001301365.1); c.4793C>G (NM_000081.2); short protein forms T1598S.
Identifiers: ClinVar variation 1348333 (VCV001348333.3), dbSNP rs377396577, ClinGen allele CA1466758.